The following is an entry in ClinVar:

NM_000368.5(TSC1):c.2783A>C (p.Lys928Thr)

Gene: TSC1 (TSC complex subunit 1; minus strand). Cytogenetic location: 9q34.13.
Variant type: single nucleotide variant.
Coding change: c.2783A>C on transcript NM_000368.5 (MANE Select); coding-DNA position 2783, A replaced by C.
Protein change: p.Lys928Thr; replaces lysine 928 with threonine.
Molecular consequence: missense variant. On other transcripts: non-coding transcript variant (5).
Genome position (GRCh38, 1-based): chr9:132,897,453, T>G on the plus strand (A>C on the coding strand, the complement: TSC1 is on the minus strand). VCF-style: chr9-132897453-T-G. GRCh37 (hg19) VCF-style: chr9-135772840-T-G.
Other names: c.2780A>C, p.Lys927Thr (NM_001162426.2, NM_001406597.1, NM_001406598.1 and 2 more transcripts); c.2630A>C, p.Lys877Thr (NM_001162427.2, NM_001406610.1); c.2420A>C, p.Lys807Thr (NM_001362177.2, NM_001406617.1, NM_001406618.1 and 4 more transcripts); c.2783A>C, p.Lys928Thr (NM_001406592.1, NM_001406593.1, NM_001406594.1 and 2 more transcripts); c.2768A>C, p.Lys923Thr (NM_001406601.1, NM_001406602.1); c.2765A>C, p.Lys922Thr (NM_001406603.1, NM_001406604.1); c.2741A>C, p.Lys914Thr (NM_001406605.1, NM_001406606.1, NM_001406607.1); c.2417A>C, p.Lys806Thr (NM_001406620.1, NM_001406621.1, NM_001406622.1 and 1 more transcripts); and 8 more; short protein forms K792T, K914T, K927T, K577T, K793T, K876T, K610T, K611T.
Identifiers: ClinVar variation 3974574 (VCV003974574.1).

ClinVar aggregate classification (germline): Uncertain significance (1 of 4 stars; one submission).

Conditions:
Hereditary cancer-predisposing syndrome. Also called: Tumor predisposition; Hereditary neoplastic syndrome; Hereditary Cancer Syndrome; Neoplastic Syndromes, Hereditary. Identifiers: Orphanet 140162, MedGen C0027672, MeSH D009386, MONDO:0015356.

Submission:

Ambry Genetics
Classification: Uncertain significance for Hereditary cancer-predisposing syndrome. Last evaluated: 2025-05-25. Review status: criteria provided, single submitter. Criteria: Ambry Variant Classification Scheme 2023. Collection method: clinical testing. Allele origin: germline.
Comment: The p.K928T variant (also known as c.2783A>C), located in coding exon 19 of the TSC1 gene, results from an A to C substitution at nucleotide position 2783. The lysine at codon 928 is replaced by threonine, an amino acid with similar properties. This amino acid position is conserved. In addition, this alteration is predicted to be deleterious by in silico analysis. Based on the available evidence, the clinical significance of this variant remains unclear.